The following is an entry in ClinVar:

NM_001364905.1(LRBA):c.4123A>G (p.Ile1375Val)

Gene: LRBA (LPS responsive beige-like anchor protein; minus strand). Cytogenetic location: 4q31.3.
Variant type: single nucleotide variant.
Coding change: c.4123A>G on transcript NM_001364905.1 (MANE Select); coding-DNA position 4123, A replaced by G.
Protein change: p.Ile1375Val; replaces isoleucine 1375 with valine.
Molecular consequence: missense variant.
Genome position (GRCh38, 1-based): chr4:150,849,457, T>C on the plus strand (A>G on the coding strand, the complement: LRBA is on the minus strand). VCF-style: chr4-150849457-T-C. GRCh37 (hg19) VCF-style: chr4-151770609-T-C.
Other names: c.4123A>G, p.Ile1375Val (NM_001199282.3, NM_001367550.1, NM_006726.5); short protein forms I1375V.
Identifiers: ClinVar variation 2197622 (VCV002197622.4), dbSNP rs778533895, ClinGen allele CA3102894.
Genomic context (GRCh38, chr4:150,849,457, plus strand): 5'-TTTTCTATAGTAATTAAGTCCTTACTGTAGCCGATGTAGCAGCTGAAAGCAATGGCAGTA[T>C]ACCCCCACAAGCCATGACCATATTGTCCATCACTTGAGAGATGAGATGAATTGTGTTGTG-3'
Protein context (NP_001351834.1, residues 1365-1385): MDNMVMACGG[Ile1375Val]LPLLSAATSA

ClinVar aggregate classification (germline): Uncertain significance. Review status: criteria provided, multiple submitters, no conflicts (2 of 4 stars). 3 submissions from 3 submitters: Uncertain significance (3). Last evaluated 2023-12-27.

Conditions:
Inborn genetic diseases. Identifiers: MedGen C0950123, MeSH D030342.
Combined immunodeficiency due to LRBA deficiency. Also called: Common variable immunodeficiency 8, with autoimmunity. Identifiers: Orphanet 445018, MedGen C3553512, MONDO:0013863, OMIM 614700.

Allele frequency attached by ClinVar (database versions not stated): ExAC 0.00001; gnomAD 0.00001; gnomAD exomes 0.00001; TOPMed 0.00002.
gnomAD v4.1: 18 of 1,613,564 alleles (0.0011%); highest among the groups gnomAD compares: Admixed American, 0.005%; no homozygotes.

Submissions (3):

Ambry Genetics
Classification: Uncertain significance for Inborn genetic diseases. Last evaluated: 2023-12-27. Review status: criteria provided, single submitter. Criteria: Ambry Variant Classification Scheme 2023. Collection method: clinical testing. Allele origin: germline.

Blueprint Genetics
Classification: Uncertain significance. Last evaluated: 2022-03-01. Review status: criteria provided, single submitter. Criteria: ACMG Guidelines, 2015. Collection method: clinical testing. Allele origin: germline.

Labcorp Genetics (formerly Invitae), Labcorp
Classification: Uncertain significance for Combined immunodeficiency due to LRBA deficiency. Last evaluated: 2022-02-22. Review status: criteria provided, single submitter. Criteria: Invitae Variant Classification Sherloc (09022015). Collection method: clinical testing. Allele origin: germline.
Comment: This variant is present in population databases (rs778533895, gnomAD 0.009%). In summary, the available evidence is currently insufficient to determine the role of this variant in disease. Therefore, it has been classified as a Variant of Uncertain Significance. Algorithms developed to predict the effect of missense changes on protein structure and function are either unavailable or do not agree on the potential impact of this missense change (SIFT: "Tolerated"; PolyPhen-2: "Probably Damaging"; Align-GVGD: "Class C0"). This variant has not been reported in the literature in individuals affected with LRBA-related conditions. This sequence change replaces isoleucine, which is neutral and non-polar, with valine, which is neutral and non-polar, at codon 1375 of the LRBA protein (p.Ile1375Val).